The following is an entry in ClinVar:

ClinVar aggregate classification (germline): Uncertain significance. Review status: criteria provided, multiple submitters, no conflicts (2 of 4 stars). 6 submissions from 6 submitters: Uncertain significance (6). Last evaluated 2026-03-20.

Conditions:
Cardiomyopathy (CMYO). Also called: Cardiomyopathies. Identifiers: Orphanet 167848, MedGen C0878544, MONDO:0004994, HP:0001638. Inheritance: Various modes of inheritance.
Hypertrophic cardiomyopathy 10. Also called: CARDIOMYOPATHY, HYPERTROPHIC, MID-LEFT VENTRICULAR CHAMBER TYPE, 2; MYL2-Related Familial Hypertrophic Cardiomyopathy. Identifiers: MedGen C1834460, MONDO:0012112, OMIM 608758.
Myopathy, myofibrillar, 12, infantile-onset, with cardiomyopathy. Identifiers: MedGen C5561937, MONDO:0859168, OMIM 619424.
MYL2-related disorder. Also called: MYL2-related disorders; MYL2-related condition; MYL2-related disease.
Hypertrophic cardiomyopathy. Also called: HYPERTROPHIC MYOCARDIOPATHY. Identifiers: Orphanet 217569, MedGen C0007194, MeSH D002312, MONDO:0005045, HP:0001639.

Allele frequency attached by ClinVar (database versions not stated): gnomAD exomes below 0.00001; gnomAD 0.00001; TOPMed 0.00002.

Submissions (6):

PreventionGenetics, part of Exact Sciences
Classification: Uncertain significance for MYL2-related condition. Last evaluated: 2026-03-20. Review status: criteria provided, single submitter. Criteria: ACMG Guidelines, 2015. Collection method: clinical testing. Allele origin: germline.
Comment: The MYL2 c.142G>A variant is predicted to result in the amino acid substitution p.Asp48Asn. To our knowledge, this variant has not been reported in the literature. Alternative variant at the same codon (p.Asn48Tyr) has been reported in an individual with hypertrophic cardiomyopathy (Table S1B, Walsh et al. 2017. PubMed ID: 27532257; Table S8, McGurk et al. 2023. PubMed ID: 37652022). This variant is reported in 0.011% of alleles in individuals of African descent in gnomAD. At this time, the clinical significance of this variant is uncertain due to the absence of conclusive functional and genetic evidence.

Labcorp Genetics (formerly Invitae), Labcorp
Classification: Uncertain significance for Hypertrophic cardiomyopathy 10. Last evaluated: 2026-01-05. Review status: criteria provided, single submitter. Criteria: Invitae Variant Classification Sherloc (09022015). Collection method: clinical testing. Allele origin: germline.
Comment: This sequence change replaces aspartic acid, which is acidic and polar, with asparagine, which is neutral and polar, at codon 48 of the MYL2 protein (p.Asp48Asn). This variant is present in population databases (no rsID available, gnomAD 0.01%). This variant has not been reported in the literature in individuals affected with MYL2-related conditions. ClinVar contains an entry for this variant (Variation ID: 654375). An algorithm developed to predict the effect of missense changes on protein structure and function (PolyPhen-2) suggests that this variant is likely to be tolerated. In summary, the available evidence is currently insufficient to determine the role of this variant in disease. Therefore, it has been classified as a Variant of Uncertain Significance.

Color Diagnostics, LLC DBA Color Health
Classification: Uncertain significance for Cardiomyopathy. Last evaluated: 2024-03-06. Review status: criteria provided, single submitter. Criteria: ACMG Guidelines, 2015. Collection method: clinical testing. Allele origin: germline.
Comment: This missense variant replaces aspartic acid with asparagine at codon 48 of the MYL2 protein. Computational prediction is inconclusive regarding the impact of this variant on protein structure and function (internally defined REVEL score threshold 0.5 < inconclusive < 0.7, PMID: 27666373). To our knowledge, functional studies have not been reported for this variant. This variant has not been reported in individuals affected with MYL2-related disorders in the literature. This variant has been identified in 1/31390 chromosomes in the general population by the Genome Aggregation Database (gnomAD). The available evidence is insufficient to determine the role of this variant in disease conclusively. Therefore, this variant is classified as a Variant of Uncertain Significance.

All of Us Research Program, National Institutes of Health
Classification: Uncertain significance for Hypertrophic cardiomyopathy. Last evaluated: 2023-09-17. Review status: criteria provided, single submitter. Criteria: ACMG Guidelines, 2015. Collection method: clinical testing. Allele origin: germline. Inheritance: Autosomal dominant inheritance. Observed: 2 variant alleles, 2 heterozygotes.
Comment: This missense variant replaces aspartic acid with asparagine at codon 48 of the MYL2 protein. Computational prediction is inconclusive regarding the impact of this variant on protein structure and function (internally defined REVEL score threshold 0.5 < inconclusive < 0.7, PMID: 27666373). Splice site prediction tools suggest that this variant may not impact RNA splicing. To our knowledge, functional studies have not been performed for this variant. This variant has not been reported in individuals affected with cardiovascular disorders in the literature. This variant has been identified in 1/31390 chromosomes in the general population by the Genome Aggregation Database (gnomAD). The available evidence is insufficient to determine the role of this variant in disease conclusively. Therefore, this variant is classified as a Variant of Uncertain Significance.

This study involves interpretation of variants in research participants for the purpose of population health screening. Participant phenotype was not available at the time of variant classification. Additional details can be found in publication PMID: 35346344, PMCID: PMC8962531

Fulgent Genetics
Classification: Uncertain significance for Hypertrophic cardiomyopathy 10; Myopathy, myofibrillar, 12, infantile-onset, with cardiomyopathy. Last evaluated: 2021-10-18. Review status: criteria provided, single submitter. Criteria: ACMG Guidelines, 2015. Collection method: clinical testing. Allele origin: unknown.

Center for Advanced Laboratory Medicine, UC San Diego Health, University of California San Diego
Classification: Uncertain significance for Cardiomyopathy. Last evaluated: 2017-02-02. Review status: criteria provided, single submitter. Criteria: ACMG Guidelines, 2015. Collection method: clinical testing. Allele origin: germline. Affected: yes. Observed: 1 variant allele.

NM_000432.4(MYL2):c.142G>A (p.Asp48Asn)

Gene: MYL2 (myosin light chain 2; minus strand). Cytogenetic location: 12q24.11.
Variant type: single nucleotide variant.
Coding change: c.142G>A on transcript NM_000432.4 (MANE Select); coding-DNA position 142, G replaced by A.
Protein change: p.Asp48Asn; replaces aspartic acid 48 with asparagine.
Molecular consequence: missense variant.
Genome position (GRCh38, 1-based): chr12:110,915,742, C>T on the plus strand (G>A on the coding strand, the complement: MYL2 is on the minus strand). VCF-style: chr12-110915742-C-T. GRCh37 (hg19) VCF-style: chr12-111353546-C-T.
Other names: short protein forms D48N.
Identifiers: ClinVar variation 654375 (VCV000654375.19), dbSNP rs727504405, ClinGen allele CA386699292.